The following is an entry in ClinVar:

ClinVar aggregate classification (germline): Uncertain significance (1 of 4 stars; one submission).

Submission:

Labcorp Genetics (formerly Invitae), Labcorp
Classification: Uncertain significance. Last evaluated: 2025-09-04. Review status: criteria provided, single submitter. Criteria: Invitae Variant Classification Sherloc (09022015). Collection method: clinical testing. Allele origin: germline.
Comment: This variant, c.2097_2102dup, results in the insertion of 2 amino acid(s) of the NR3C2 protein (p.Pro700_Pro701dup), but otherwise preserves the integrity of the reading frame. The frequency data for this variant in the population databases is considered unreliable, as metrics indicate poor data quality at this position in the gnomAD database. This variant has not been reported in the literature in individuals affected with NR3C2-related conditions. Experimental studies and prediction algorithms are not available or were not evaluated, and the functional significance of this variant is currently unknown. In summary, the available evidence is currently insufficient to determine the role of this variant in disease. Therefore, it has been classified as a Variant of Uncertain Significance.

NM_000901.5(NR3C2):c.2085ACCCCC[4] (p.Pro701_Gln702insProPro)

Gene: NR3C2 (nuclear receptor subfamily 3 group C member 2; minus strand). Cytogenetic location: 4q31.23.
Variant type: Microsatellite.
Coding change: c.2085ACCCCC[4] on transcript NM_000901.5 (MANE Select); four copies in a row of the 6-base unit ACCCCC starting at c.2085; the reference has three copies in a row; one copy, 6 bases duplicated.
Protein change: p.Pro701_Gln702insProPro.
Molecular consequence: intron variant (on NM_001166104.2).
Genome position (GRCh38, 1-based): chr4:148,154,814-148,154,819, GGGGGT duplicated on the plus strand (ACCCCC on the coding strand, the reverse complement: NR3C2 is on the minus strand); duplicating any 6 consecutive bases within chr4:148,154,814-148,154,836 gives the same sequence; the position shown is the placement nearest the transcript's 3' end. VCF-style (leftmost placement, unchanged base first): chr4-148154813-C-CGGGGGT. GRCh37 (hg19) VCF-style: chr4-149075964-C-CGGGGGT.
Other names: c.2015-2218ACCCCC[4] (NM_001166104.2, NM_001354819.1).
Identifiers: ClinVar variation 3633892 (VCV003633892.2).